The following is an entry in ClinVar:

ClinVar aggregate classification (germline): Uncertain significance (1 of 4 stars; one submission).

Conditions:
POLD1-related polyposis and colorectal cancer syndrome (CRCS10). Also called: Colorectal cancer 10; COLORECTAL CANCER, SUSCEPTIBILITY TO, ON CHROMOSOME 19q; Colorectal cancer, susceptibility to, 10. Identifiers: Orphanet 220460, MedGen C2675481, MONDO:0012953, OMIM 612591.

Submission:

Labcorp Genetics (formerly Invitae), Labcorp
Classification: Uncertain significance for POLD1-related polyposis and colorectal cancer syndrome. Last evaluated: 2022-08-06. Review status: criteria provided, single submitter. Criteria: Invitae Variant Classification Sherloc (09022015). Collection method: clinical testing. Allele origin: germline.
Comment: In summary, the available evidence is currently insufficient to determine the role of this variant in disease. Therefore, it has been classified as a Variant of Uncertain Significance. Algorithms developed to predict the effect of missense changes on protein structure and function are either unavailable or do not agree on the potential impact of this missense change (SIFT: "Deleterious"; PolyPhen-2: "Probably Damaging"; Align-GVGD: "Class C0"). ClinVar contains an entry for this variant (Variation ID: 1424985). This variant has not been reported in the literature in individuals affected with POLD1-related conditions. This variant is not present in population databases (gnomAD no frequency). This sequence change replaces valine, which is neutral and non-polar, with alanine, which is neutral and non-polar, at codon 861 of the POLD1 protein (p.Val861Ala).

NM_002691.4(POLD1):c.2582T>C (p.Val861Ala)

Gene: POLD1 (DNA polymerase delta 1, catalytic subunit; plus strand). Cytogenetic location: 19q13.33.
Variant type: single nucleotide variant.
Coding change: c.2582T>C on transcript NM_002691.4 (MANE Select); coding-DNA position 2582, T replaced by C.
Protein change: p.Val861Ala; replaces valine 861 with alanine.
Molecular consequence: missense variant. On other transcripts: non-coding transcript variant (1).
Genome position (GRCh38, 1-based): chr19:50,415,455, T>C. VCF-style: chr19-50415455-T-C. GRCh37 (hg19) VCF-style: chr19-50918712-T-C.
Other names: c.2582T>C, p.Val861Ala (NM_001256849.1); c.2660T>C, p.Val887Ala (NM_001308632.1); short protein forms V887A, V861A.
Identifiers: ClinVar variation 1424985 (VCV001424985.6), dbSNP rs2122474417, ClinGen allele CA406985319.